The following is an entry in ClinVar:

ClinVar aggregate classification (germline): Likely pathogenic (1 of 4 stars; one submission).

Conditions:
Protein S deficiency disease. Also called: Protein S deficiency. Identifiers: MedGen C0242666, MeSH D018455, MONDO:0002304.

Submission:

ISTH-SSC Genomics in Thrombosis and Hemostasis, KU Leuven, Center for Molecular and Vascular Biology
Classification: Likely pathogenic for Protein S deficiency disease. Review status: criteria provided, single submitter. Criteria: ACMG Guidelines, 2015. Collection method: clinical testing. Allele origin: unknown. Affected: yes.
Comment: Submitted to GoldVariant by Kathleen Freson, Center for Molecular and Vascular Biology, Leuven, Belgium

Literature cited by the submitters: PubMed 34355501.

NC_000003.12:g.93879713_93906171del

Gene: PROS1 (protein S; minus strand). Cytogenetic location: 3q11.1.
Variant type: Deletion.
Identifiers: ClinVar variation 1338740 (VCV001338740.3).